The following is an entry in ClinVar:

ClinVar aggregate classification (germline): Likely benign (1 of 4 stars; one submission).

Allele frequency attached by ClinVar (database versions not stated): gnomAD 0.00005; TOPMed 0.00008; ESP Exome Variant Server 0.00009; ExAC 0.00020.
gnomAD v4.1: 305 of 1,207,449 alleles (0.025%); highest among the groups gnomAD compares: Non-Finnish European, 0.033%; no homozygotes.

Submission:

CeGaT Center for Human Genetics Tuebingen
Classification: Likely benign. Last evaluated: 2023-02-01. Review status: criteria provided, single submitter. Criteria: CeGaT Center For Human Genetics Tuebingen Variant Classification Criteria Version 2. Collection method: clinical testing. Allele origin: germline. Affected: yes. Observed: 1 variant allele.
Comment: BEX3: BP4, BP7, BS2

NM_206917.3(BEX3):c.261C>T (p.Leu87=)

Gene: BEX3 (brain expressed X-linked 3; plus strand). Cytogenetic location: Xq22.2.
Variant type: single nucleotide variant.
Coding change: c.261C>T on transcript NM_206917.3 (MANE Select); coding-DNA position 261, C replaced by T.
Protein change: p.Leu87=; no amino-acid change (leucine 87 retained).
Molecular consequence: synonymous variant.
Genome position (GRCh38, 1-based): chrX:103,377,782, C>T. VCF-style: chrX-103377782-C-T. GRCh37 (hg19) VCF-style: chrX-102632710-C-T.
Other names: c.531C>T, p.Leu177= (NM_001282674.1); c.291C>T, p.Leu97= (NM_014380.3, NM_206915.3).
Identifiers: ClinVar variation 2661095 (VCV002661095.24), dbSNP rs147893779, ClinGen allele CA10477969.